The following is an entry in ClinVar:

NM_020686.6(ABAT):c.*32G>A

Gene: ABAT (4-aminobutyrate aminotransferase; plus strand). Cytogenetic location: 16p13.2.
Variant type: single nucleotide variant.
Coding change: c.*32G>A on transcript NM_020686.6 (MANE Select); 32 bases downstream of the stop codon, G replaced by A.
Molecular consequence: 3 prime UTR variant.
Genome position (GRCh38, 1-based): chr16:8,781,462, G>A. VCF-style: chr16-8781462-G-A. GRCh37 (hg19) VCF-style: chr16-8875319-G-A.
Other names: c.*32G>A (NM_000663.5, NM_001127448.2, NM_001386600.1 and 14 more transcripts); c.*46G>A (NM_001386609.1, NM_001386616.1).
Identifiers: ClinVar variation 887494 (VCV000887494.5), dbSNP rs737696, ClinGen allele CA7893589.

ClinVar aggregate classification (germline): Benign. Review status: criteria provided, multiple submitters, no conflicts (2 of 4 stars). 2 submissions from 2 submitters: Benign (2). Last evaluated 2017-04-27.

Conditions:
Gamma-aminobutyric acid transaminase deficiency (GABATD). Also called: GABA transaminase deficiency; Gamma aminobutyrate transaminase deficiency; 4 alpha aminobutyrate transaminase deficiency; GABA aminotransaminase deficiency. Identifiers: Orphanet 2066, MedGen C0342708, MONDO:0013166, OMIM 613163.

Allele frequency attached by ClinVar (database versions not stated): gnomAD exomes 0.00218 and 0.00296; ExAC 0.00276; ESP Exome Variant Server 0.00285; TOPMed 0.00383; 1000 Genomes Project 30x 0.00406; 1000 Genomes Project 0.00459.
gnomAD v4.1: 3,815 of 1,613,684 alleles (0.24%); highest among the groups gnomAD compares: Middle Eastern, 2.5%; 29 homozygotes.

Submissions (2):

Illumina Laboratory Services, Illumina
Classification: Benign for Gamma-aminobutyric acid transaminase deficiency. Last evaluated: 2017-04-27. Review status: criteria provided, single submitter. Criteria: ICSL Variant Classification Criteria 13 December 2019. Collection method: clinical testing. Allele origin: germline.
Comment: This variant was observed as part of a predisposition screen in an ostensibly healthy population. A literature search was performed for the gene, cDNA change, and amino acid change (where applicable). Publications were found based on this search. The evidence from the literature, in combination with allele frequency data from public databases where available, was sufficient to rule this variant out of causing disease. Therefore, this variant is classified as benign.

Breakthrough Genomics
Classification: Benign. Review status: criteria provided, single submitter. Criteria: ACMG Guidelines, 2015. Collection method: not provided. Allele origin: germline. Inheritance: Autosomal recessive inheritance. Affected: yes.

Literature cited by the submitters: PubMed 15642443 (cited by Illumina Laboratory Services, Illumina).